The following is an entry in ClinVar:

NM_006796.3(AFG3L2):c.1725A>T (p.Glu575Asp)

Gene: AFG3L2 (AFG3 like matrix AAA peptidase subunit 2; minus strand). Cytogenetic location: 18p11.21.
Variant type: single nucleotide variant.
Coding change: c.1725A>T on transcript NM_006796.3 (MANE Select); coding-DNA position 1725, A replaced by T.
Protein change: p.Glu575Asp; replaces glutamic acid 575 with aspartic acid.
Molecular consequence: missense variant.
Genome position (GRCh38, 1-based): chr18:12,344,186, T>A on the plus strand (A>T on the coding strand, the complement: AFG3L2 is on the minus strand). VCF-style: chr18-12344186-T-A. GRCh37 (hg19) VCF-style: chr18-12344185-T-A.
Other names: short protein forms E575D.
Identifiers: ClinVar variation 2574805 (VCV002574805.2), dbSNP rs2510223792, ClinGen allele CA401949692.

ClinVar aggregate classification (germline): Uncertain significance (1 of 4 stars; one submission).

Submission:

GeneDx
Classification: Uncertain significance. Last evaluated: 2024-09-20. Review status: criteria provided, single submitter. Criteria: GeneDx Variant Classification Process June 2021. Collection method: clinical testing. Allele origin: germline. Affected: yes.
Comment: Not observed at significant frequency in large population cohorts (gnomAD); In silico analysis supports that this missense variant has a deleterious effect on protein structure/function; Has not been previously published as pathogenic or benign to our knowledge